The following is an entry in ClinVar:

ClinVar aggregate classification (germline): Uncertain significance (1 of 4 stars; one submission).

Conditions:
Dilated cardiomyopathy 1G (CMD1G). Identifiers: Orphanet 154, MedGen C1858763, MONDO:0011400, OMIM 604145.
Autosomal recessive limb-girdle muscular dystrophy type 2J (LGMDR10). Also called: Limb-girdle muscular dystrophy, type 2J; MUSCULAR DYSTROPHY, LIMB-GIRDLE, AUTOSOMAL RECESSIVE 10. Identifiers: Orphanet 140922, MedGen C1837342, MONDO:0012127, OMIM 608807.

gnomAD v4.1: 1 of 1,613,868 alleles (0.000062%); highest among the groups gnomAD compares: Non-Finnish European, 0.000085%; no homozygotes.

Submission:

Labcorp Genetics (formerly Invitae), Labcorp
Classification: Uncertain significance for Dilated cardiomyopathy 1G; Autosomal recessive limb-girdle muscular dystrophy type 2J. Last evaluated: 2024-06-09. Review status: criteria provided, single submitter. Criteria: Invitae Variant Classification Sherloc (09022015). Collection method: clinical testing. Allele origin: germline.
Comment: This sequence change replaces glycine, which is neutral and non-polar, with valine, which is neutral and non-polar, at codon 34228 of the TTN protein (p.Gly34228Val). This variant is not present in population databases (gnomAD no frequency). This variant has not been reported in the literature in individuals affected with TTN-related conditions. Experimental studies and prediction algorithms are not available or were not evaluated, and the functional significance of this variant is currently unknown. This variant is located in the M band of TTN (PMID: 25589632). Non-truncating variants in this region may be relevant for neuromuscular disorders, but have not been definitively shown to cause cardiomyopathy (PMID: 23975875). In summary, the available evidence is currently insufficient to determine the role of this variant in disease. Therefore, it has been classified as a Variant of Uncertain Significance.

Literature cited by the submitters: PubMed 25589632; PubMed 23975875.

NM_001267550.2(TTN):c.102683G>T (p.Gly34228Val)

Genes: TTN (titin; minus strand), TTN-AS1 (TTN antisense RNA 1; plus strand). Cytogenetic location: 2q31.2.
Variant type: single nucleotide variant.
Coding change: c.102683G>T on transcript NM_001267550.2 (MANE Select); coding-DNA position 102683, G replaced by T.
Protein change: p.Gly34228Val; replaces glycine 34228 with valine.
Molecular consequence: missense variant.
Genome position (GRCh38, 1-based): chr2:178,533,932, C>A on the plus strand (G>T on the coding strand, the complement: TTN is on the minus strand). VCF-style: chr2-178533932-C-A. GRCh37 (hg19) VCF-style: chr2-179398659-C-A.
Other names: c.97760G>T, p.Gly32587Val (NM_001256850.1); c.75488G>T, p.Gly25163Val (NM_003319.4); c.94979G>T, p.Gly31660Val (NM_133378.4); c.75863G>T, p.Gly25288Val (NM_133432.3); c.76064G>T, p.Gly25355Val (NM_133437.4); short protein forms G25163V, G25288V, G25355V, G31660V, G32587V, G34228V.
Identifiers: ClinVar variation 3758787 (VCV003758787.2).